The following is an entry in ClinVar:

ClinVar aggregate classification (germline): Pathogenic (1 of 4 stars; one submission).

Conditions:
Cohen syndrome (COH1). Also called: PEPPER SYNDROME; Cutis verticis gyrata, retinitis pigmentosa, and sensorineural deafness. Identifiers: Orphanet 193, MedGen C0265223, MONDO:0008999, OMIM 216550.

Submission:

Labcorp Genetics (formerly Invitae), Labcorp
Classification: Pathogenic for Cohen syndrome. Last evaluated: 2023-08-31. Review status: criteria provided, single submitter. Criteria: Invitae Variant Classification Sherloc (09022015). Collection method: clinical testing. Allele origin: germline.
Comment: This variant results in a copy number gain of the genomic region encompassing exon(s) 32-33 of the VPS13B gene. While the exact position of this variant cannot be determined from the data, sub-genic copy number gains are generally in tandem (PMID: 25640679). This variant is predicted to be out-of-frame, and may result in an absent or disrupted protein product. Loss-of-function variants in VPS13B are known to be pathogenic (PMID: 15141358, 16648375, 20461111). A similar copy number variant has been observed in individual(s) with Cohen syndrome (PMID: 21330571). For these reasons, this variant has been classified as Pathogenic.

Literature cited by the submitters: PubMed 25640679; PubMed 15141358; PubMed 16648375; PubMed 20461111; PubMed 21330571.

NC_000008.10:g.(?_100587866)_(100589881_?)dup

Gene: VPS13B (vacuolar protein sorting 13 homolog B; plus strand). Cytogenetic location: 8q22.2.
Variant type: Duplication.
Identifiers: ClinVar variation 1456604 (VCV001456604.6).